The following is an entry in ClinVar:

NM_000135.4(FANCA):c.3439_3440del (p.Asp1147fs)

Gene: FANCA (FA complementation group A; minus strand). Cytogenetic location: 16q24.3.
Variant type: Microsatellite.
Coding change: c.3439_3440del on transcript NM_000135.4 (MANE Select); coding-DNA positions 3439 to 3440, 2 bases deleted (GA; older notation c.3439_3440delGA).
Protein change: p.Asp1147fs; shifts the reading frame from aspartic acid 1147.
Molecular consequence: frameshift variant.
Genome position (GRCh38, 1-based): chr16:89,746,657-89,746,658, TC deleted on the plus strand (GA on the coding strand, the reverse complement: FANCA is on the minus strand); deleting any 2 consecutive bases within chr16:89,746,657-89,746,661 gives the same sequence; the c. name uses the placement nearest the transcript's 3' end. VCF-style (leftmost placement, unchanged base first): chr16-89746656-GTC-G. GRCh37 (hg19) VCF-style: chr16-89813064-GTC-G.
Other names: p.Asp1147ProfsTer67; c.3439_3440del, p.Asp1147fs (NM_001286167.3); short protein forms D1147fs.
Identifiers: ClinVar variation 1430115 (VCV001430115.8), dbSNP rs2143106522, ClinGen allele CA2580613945.

ClinVar aggregate classification (germline): Pathogenic. Review status: criteria provided, multiple submitters, no conflicts (2 of 4 stars). 2 submissions from 2 submitters: Pathogenic (2). Last evaluated 2024-08-13.

Conditions:
Fanconi anemia (FA). Also called: Fanconi's anemia. Identifiers: Orphanet 84, MedGen C0015625, MeSH D005199, MONDO:0019391.
Fanconi anemia complementation group A (FANCA). Also called: Fanconi anemia, group A; FANCA-Related Fanconi Anemia. Identifiers: Orphanet 84, MedGen C3469521, MONDO:0009215, OMIM 227650.

Submissions (2):

Molecular Genetics and NGS Laboratory, Hospital Fundacion Valle Del Lili
Classification: Pathogenic for Fanconi anemia complementation group A. Last evaluated: 2024-08-13. Review status: criteria provided, single submitter. Criteria: ACMG Guidelines, 2015. Collection method: clinical testing. Allele origin: germline. Affected: yes. Observed: 1 variant allele.
Comment: Null variant (frame-shift) in gene FANCA, predicted to cause NMD. Loss-of-function is a known mechanism of disease. The exon contains 13 pathogenic variants. The truncated region contains 198 pathogenic variants (PVS1). Combined evidence strength is Strong (score = 4). Strong: ClinVar classifies this variant as Pathogenic, 1 star (PP5). Variant not found in gnomAD genomes,variant not found in gnomAD exomes (PM2).

Labcorp Genetics (formerly Invitae), Labcorp
Classification: Pathogenic for Fanconi anemia. Last evaluated: 2021-12-06. Review status: criteria provided, single submitter. Criteria: Invitae Variant Classification Sherloc (09022015). Collection method: clinical testing. Allele origin: germline.
Comment: For these reasons, this variant has been classified as Pathogenic. This variant has not been reported in the literature in individuals affected with FANCA-related conditions. This variant is not present in population databases (gnomAD no frequency). This sequence change creates a premature translational stop signal (p.Asp1147Profs*67) in the FANCA gene. It is expected to result in an absent or disrupted protein product. Loss-of-function variants in FANCA are known to be pathogenic (PMID: 19367192).

Literature cited by the submitters: PubMed 19367192 (cited by Labcorp Genetics (formerly Invitae), Labcorp).